The following is an entry in ClinVar:

ClinVar aggregate classification (germline): Uncertain significance. Review status: criteria provided, multiple submitters, no conflicts (2 of 4 stars). 2 submissions from 2 submitters: Uncertain significance (2). Last evaluated 2024-01-03.

Conditions:
DICER1-related tumor predisposition. Also called: DICER1 syndrome; DICER1-related pleuropulmonary blastoma cancer predisposition syndrome. Identifiers: Orphanet 284343, MedGen C3839822, MONDO:0100216.
Hereditary cancer-predisposing syndrome. Also called: Neoplastic Syndromes, Hereditary; Hereditary Cancer Syndrome; Tumor predisposition; Hereditary neoplastic syndrome. Identifiers: Orphanet 140162, MedGen C0027672, MeSH D009386, MONDO:0015356.

Allele frequency attached by ClinVar (database versions not stated): gnomAD exomes below 0.00001 and 0.00001; ExAC 0.00002.
gnomAD v4.1: 2 of 1,614,122 alleles (0.00012%); highest among the groups gnomAD compares: Admixed American, 0.0033%; no homozygotes.

Submissions (2):

Labcorp Genetics (formerly Invitae), Labcorp
Classification: Uncertain significance for DICER1-related tumor predisposition. Last evaluated: 2024-01-03. Review status: criteria provided, single submitter. Criteria: Invitae Variant Classification Sherloc (09022015). Collection method: clinical testing. Allele origin: germline.
Comment: This sequence change replaces isoleucine, which is neutral and non-polar, with methionine, which is neutral and non-polar, at codon 378 of the DICER1 protein (p.Ile378Met). This variant is present in population databases (rs769457054, gnomAD 0.006%). This variant has not been reported in the literature in individuals affected with DICER1-related conditions. ClinVar contains an entry for this variant (Variation ID: 1037266). Advanced modeling of protein sequence and biophysical properties (such as structural, functional, and spatial information, amino acid conservation, physicochemical variation, residue mobility, and thermodynamic stability) performed at Invitae indicates that this missense variant is not expected to disrupt DICER1 protein function with a negative predictive value of 80%. In summary, the available evidence is currently insufficient to determine the role of this variant in disease. Therefore, it has been classified as a Variant of Uncertain Significance.

Sema4
Classification: Uncertain significance for Hereditary cancer-predisposing syndrome. Last evaluated: 2021-04-26. Review status: criteria provided, single submitter. Criteria: Sema4 Curation Guidelines. Collection method: curation. Allele origin: germline.
Comment: The DICER1 c.1134C>G (p.I378M) variant has not been reported in the literature to our knowledge. It was observed in 2/34592 chromosomes of the Latino subpopulation in the large and broad cohorts of the Genome Aggregation Database (PMID: 32461654). The variant has been reported in ClinVar (Variation ID 1037266). Computational analyses and evolutionary conservation data do not provide strong support for or against an impact to the protein, however these predictions have not been confirmed by published functional studies. The evidence is insufficient to meet ACMG/AMP criteria for classifying the variant as benign or pathogenic. Thus, the clinical significance of this variant is currently uncertain.

NM_177438.3(DICER1):c.1134C>G (p.Ile378Met)

Gene: DICER1 (dicer 1, ribonuclease III; minus strand). Cytogenetic location: 14q32.13.
Variant type: single nucleotide variant.
Coding change: c.1134C>G on transcript NM_177438.3 (MANE Select); coding-DNA position 1134, C replaced by G.
Protein change: p.Ile378Met; replaces isoleucine 378 with methionine.
Molecular consequence: missense variant.
Genome position (GRCh38, 1-based): chr14:95,124,438, G>C on the plus strand (C>G on the coding strand, the complement: DICER1 is on the minus strand). VCF-style: chr14-95124438-G-C. GRCh37 (hg19) VCF-style: chr14-95590775-G-C.
Other names: c.1134C>G, p.Ile378Met (NM_001195573.1, NM_001271282.3, NM_001291628.2 and 1 more transcripts); short protein forms I378M.
Identifiers: ClinVar variation 1037266 (VCV001037266.9), dbSNP rs769457054, ClinGen allele CA7331524.
Genomic context (GRCh38, chr14:95,124,438, plus strand): 5'-AACGCTTTCAAACTGCTGTCGCTCATATGGTTTATATTTGCGTAAGATTTCGAGCAGTTT[G>C]ATTACTTTAGGAGTTACAAATTTCAGGTCAAGTGAGGCAGGTGAGAAGTGCTCTTCACAT-3'
Protein context (NP_803187.1, residues 368-388): LDLKFVTPKV[Ile378Met]KLLEILRKYK